The following is an entry in ClinVar:

ClinVar aggregate classification (germline): Uncertain significance (1 of 4 stars; one submission).

Submission:

Women's Health and Genetics/Laboratory Corporation of America, LabCorp
Classification: Uncertain significance. Last evaluated: 2024-09-11. Review status: criteria provided, single submitter. Criteria: LabCorp Variant Classification Summary - May 2015. Collection method: clinical testing. Allele origin: germline.
Comment: Variant summary: EGFR c.800T>C (p.Leu267Pro) results in a non-conservative amino acid change located in the Furin-like cysteine-rich domain (IPR006211) of the encoded protein sequence. Three of five in-silico tools predict a benign effect of the variant on protein function. The variant was absent in 251470 control chromosomes. The available data on variant occurrences in the general population are insufficient to allow any conclusion about variant significance. To our knowledge, no occurrence of c.800T>C in individuals affected with EGFR-Related Disorders and no experimental evidence demonstrating its impact on protein function have been reported. No submitters have cited clinical-significance assessments for this variant to ClinVar. Based on the evidence outlined above, the variant was classified as uncertain significance.

NM_005228.5(EGFR):c.800T>C (p.Leu267Pro)

Gene: EGFR (epidermal growth factor receptor; plus strand). Cytogenetic location: 7p11.2.
Variant type: single nucleotide variant.
Coding change: c.800T>C on transcript NM_005228.5 (MANE Select); coding-DNA position 800, T replaced by C.
Protein change: p.Leu267Pro; replaces leucine 267 with proline.
Molecular consequence: missense variant. On other transcripts: intron variant (1).
Genome position (GRCh38, 1-based): chr7:55,154,063, T>C. VCF-style: chr7-55154063-T-C. GRCh37 (hg19) VCF-style: chr7-55221756-T-C.
Other names: c.665T>C, p.Leu222Pro (NM_001346897.2, NM_001346899.2); c.800T>C, p.Leu267Pro (NM_001346898.2, NM_201282.2, NM_201283.2 and 1 more transcripts); c.641T>C, p.Leu214Pro (NM_001346900.2); c.89-1767T>C (NM_001346941.2); short protein forms L214P, L222P, L267P.
Identifiers: ClinVar variation 3374884 (VCV003374884.1).